The following is an entry in ClinVar:

NM_001371986.1(UNC80):c.9504G>A (p.Pro3168=)

Gene: UNC80 (unc-80 subunit of NALCN channel complex; plus strand). Cytogenetic location: 2q34.
Variant type: single nucleotide variant.
Coding change: c.9504G>A on transcript NM_001371986.1 (MANE Select); coding-DNA position 9504, G replaced by A.
Protein change: p.Pro3168=; no amino-acid change (proline 3168 retained).
Molecular consequence: synonymous variant.
Genome position (GRCh38, 1-based): chr2:209,993,422, G>A. VCF-style: chr2-209993422-G-A. GRCh37 (hg19) VCF-style: chr2-210858146-G-A.
Other names: c.9306G>A, p.Pro3102= (NM_032504.2); c.9234G>A, p.Pro3078= (NM_182587.4).
Identifiers: ClinVar variation 1663938 (VCV001663938.34), dbSNP rs376511864, ClinGen allele CA2083684.

ClinVar aggregate classification (germline): Benign/Likely benign. Review status: criteria provided, multiple submitters, no conflicts (2 of 4 stars). 4 submissions from 4 submitters: Benign (1); Likely benign (3). Last evaluated 2026-01-06.

Conditions:
Hypotonia, infantile, with psychomotor retardation and characteristic facies 2 (IHPRF2). Also called: UNC80 Deficiency. Identifiers: Orphanet 371364, Orphanet 700333, MedGen C4225203, MONDO:0014777, OMIM 616801.

Allele frequency attached by ClinVar (database versions not stated): 1000 Genomes Project 30x 0.00016; 1000 Genomes Project 0.00020; gnomAD 0.00031 and 0.00033; gnomAD exomes 0.00050; TOPMed 0.00050; ExAC 0.00064; ESP Exome Variant Server 0.00066.
gnomAD v4.1: 447 of 1,551,242 alleles (0.029%); highest among the groups gnomAD compares: Admixed American, 0.047%; no homozygotes.

Submissions (4):

Labcorp Genetics (formerly Invitae), Labcorp
Classification: Benign. Last evaluated: 2026-01-06. Review status: criteria provided, single submitter. Criteria: Invitae Variant Classification Sherloc (09022015). Collection method: clinical testing. Allele origin: germline.

Blueprint Genetics
Classification: Likely benign. Last evaluated: 2024-10-07. Review status: criteria provided, single submitter. Criteria: ACMG Guidelines, 2015. Collection method: clinical testing. Allele origin: germline.

CeGaT Center for Human Genetics Tuebingen
Classification: Likely benign. Last evaluated: 2023-03-01. Review status: criteria provided, single submitter. Criteria: CeGaT Center For Human Genetics Tuebingen Variant Classification Criteria Version 2. Collection method: clinical testing. Allele origin: germline. Affected: yes. Observed: 1 variant allele.
Comment: UNC80: BP4, BP7

Fulgent Genetics
Classification: Likely benign for Hypotonia, infantile, with psychomotor retardation and characteristic facies 2. Last evaluated: 2021-09-21. Review status: criteria provided, single submitter. Criteria: ACMG Guidelines, 2015. Collection method: clinical testing. Allele origin: unknown.